The following is an entry in ClinVar:

NM_003587.5(DHX16):c.1054A>G (p.Lys352Glu)

Gene: DHX16 (DEAH-box helicase 16; minus strand). Cytogenetic location: 6p21.33.
Variant type: single nucleotide variant.
Coding change: c.1054A>G on transcript NM_003587.5 (MANE Select); coding-DNA position 1054, A replaced by G.
Protein change: p.Lys352Glu; replaces lysine 352 with glutamic acid.
Molecular consequence: missense variant. On other transcripts: 5 prime UTR variant (1).
Genome position (GRCh38, 1-based): chr6:30,665,142, T>C on the plus strand (A>G on the coding strand, the complement: DHX16 is on the minus strand). VCF-style: chr6-30665142-T-C. GRCh37 (hg19) VCF-style: chr6-30632919-T-C.
Other names: c.874A>G, p.Lys292Glu (NM_001164239.2); c.-1066A>G (NM_001363515.2); short protein forms K292E, K352E.
Identifiers: ClinVar variation 780613 (VCV000780613.5), dbSNP rs17189239, ClinGen allele CA3701334.

ClinVar aggregate classification (germline): Benign. Review status: criteria provided, single submitter (1 of 4 stars). 2 submissions from 2 submitters: Benign (1). 1 of the submissions does not count toward it. Last evaluated 2018-05-18.

Conditions:
DHX16-related disorder. Also called: DHX16-related condition.

Allele frequency attached by ClinVar (database versions not stated): gnomAD exomes 0.00090 and 0.00234; ExAC 0.00294; ESP Exome Variant Server 0.00930; gnomAD 0.00965 and 0.01031; 1000 Genomes Project 0.01018; 1000 Genomes Project 30x 0.01093; TOPMed 0.01125.
gnomAD v4.1: 2,848 of 1,613,880 alleles (0.18%); highest among the groups gnomAD compares: African/African-American, 3.4%; 47 homozygotes.

Submissions (2):

Labcorp Genetics (formerly Invitae), Labcorp
Classification: Benign. Last evaluated: 2018-05-18. Review status: criteria provided, single submitter. Criteria: Invitae Variant Classification Sherloc (09022015). Collection method: clinical testing. Allele origin: germline.

PreventionGenetics, part of Exact Sciences
Classification: Benign for DHX16-related condition. Last evaluated: 2019-11-11. Review status: no assertion criteria provided. Collection method: clinical testing. Allele origin: germline. Not counted in ClinVar's aggregate classification.
Comment: This variant is classified as benign based on ACMG/AMP sequence variant interpretation guidelines (Richards et al. 2015 PMID: 25741868, with internal and published modifications).